The following is an entry in ClinVar:

NM_001139.3(ALOX12B):c.1984_1986dup (p.Ile662_Glu663insIle)

Gene: ALOX12B (arachidonate 12-lipoxygenase, 12R type; minus strand). Cytogenetic location: 17p13.1.
Variant type: Duplication.
Coding change: c.1984_1986dup on transcript NM_001139.3 (MANE Select); coding-DNA positions 1984 to 1986, 3 bases duplicated (ATA; older notation c.1984_1986dupATA).
Protein change: p.Ile662_Glu663insIle.
Molecular consequence: inframe insertion.
Genome position (GRCh38, 1-based): chr17:8,072,891-8,072,893, TAT duplicated on the plus strand (ATA on the coding strand, the reverse complement: ALOX12B is on the minus strand). VCF-style (leftmost placement, unchanged base first): chr17-8072890-C-CTAT. GRCh37 (hg19) VCF-style: chr17-7976208-C-CTAT.
Identifiers: ClinVar variation 2028493 (VCV002028493.4), dbSNP rs2507687248, ClinGen allele CA2580094889.
Genomic context (GRCh38, chr17:8,072,890, plus strand): 5'-GGCACTTGTTGCGCTGGCGGATGTCGTGTGAGATCTGGTTCAGGCGCTGGCGGAACGCCT[C>CTAT]TATGCTCCTCCGCGGGGCCTCCTCCACGAAGTGAATGTCCGGGAAGTGTCCCAGGGGCCG-3'

ClinVar aggregate classification (germline): Uncertain significance (1 of 4 stars; one submission).

Submission:

Labcorp Genetics (formerly Invitae), Labcorp
Classification: Uncertain significance. Last evaluated: 2022-09-01. Review status: criteria provided, single submitter. Criteria: Invitae Variant Classification Sherloc (09022015). Collection method: clinical testing. Allele origin: germline.
Comment: In summary, the available evidence is currently insufficient to determine the role of this variant in disease. Therefore, it has been classified as a Variant of Uncertain Significance. This variant has not been reported in the literature in individuals affected with ALOX12B-related conditions. This variant is not present in population databases (gnomAD no frequency). This variant, c.1984_1986dup, results in the insertion of 1 amino acid(s) of the ALOX12B protein (p.Ile662dup), but otherwise preserves the integrity of the reading frame.